The following is an entry in ClinVar:

NM_001365276.2(TNXB):c.2531A>G (p.Gln844Arg)

Gene: TNXB (tenascin XB; minus strand). Cytogenetic location: 6p21.33.
Variant type: single nucleotide variant.
Coding change: c.2531A>G on transcript NM_001365276.2 (MANE Select); coding-DNA position 2531, A replaced by G.
Protein change: p.Gln844Arg; replaces glutamine 844 with arginine.
Molecular consequence: missense variant.
Genome position (GRCh38, 1-based): chr6:32,089,033, T>C on the plus strand (A>G on the coding strand, the complement: TNXB is on the minus strand). VCF-style: chr6-32089033-T-C. GRCh37 (hg19) VCF-style: chr6-32056810-T-C.
Other names: c.2531A>G, p.Gln844Arg (NM_019105.8); short protein forms Q844R.
Identifiers: ClinVar variation 440954 (VCV000440954.3), dbSNP rs1187997184, ClinGen allele CA363462452.

ClinVar aggregate classification (germline): Uncertain significance (1 of 4 stars; one submission).

Conditions:
Cardiovascular phenotype. Identifiers: MedGen CN230736.
Ehlers-Danlos syndrome, type 3. Also called: Ehlers-Danlos Syndrome, Hypermobility Type; EDS3 (formerly); Ehlers-Danlos syndrome type 3 (formerly); EHLERS-DANLOS SYNDROME, TYPE III; Hypermobile Ehlers-Danlos Syndrome; BENIGN HYPERMOBILITY SYNDROME. Identifiers: Orphanet 285, MedGen C0268337, MONDO:0007523, OMIM 130020.

Allele frequency attached by ClinVar (database versions not stated): gnomAD exomes below 0.00001; TOPMed below 0.00001.

Submission:

Ambry Genetics
Classification: Uncertain significance for Cardiovascular phenotype. Last evaluated: 2024-08-20. Review status: criteria provided, single submitter. Criteria: Ambry Variant Classification Scheme 2023. Collection method: clinical testing. Allele origin: germline.